The following is an entry in ClinVar:

ClinVar aggregate classification (germline): Uncertain significance. Review status: criteria provided, multiple submitters, no conflicts (2 of 4 stars). 2 submissions from 2 submitters: Uncertain significance (2). Last evaluated 2025-08-30.

Allele frequency attached by ClinVar (database versions not stated): gnomAD exomes below 0.00001; ExAC 0.00003.
gnomAD v4.1: 3 of 1,554,044 alleles (0.00019%); highest among the groups gnomAD compares: Admixed American, 0.0056%; no homozygotes.

Submissions (2):

Ambry Genetics
Classification: Uncertain significance. Last evaluated: 2025-08-30. Review status: criteria provided, single submitter. Criteria: Ambry Variant Classification Scheme 2023. Collection method: clinical testing. Allele origin: germline.

Labcorp Genetics (formerly Invitae), Labcorp
Classification: Uncertain significance. Last evaluated: 2022-05-16. Review status: criteria provided, single submitter. Criteria: Invitae Variant Classification Sherloc (09022015). Collection method: clinical testing. Allele origin: germline.
Comment: This sequence change replaces leucine, which is neutral and non-polar, with phenylalanine, which is neutral and non-polar, at codon 1881 of the CACNA1B protein (p.Leu1881Phe). The frequency data for this variant in the population databases is considered unreliable, as metrics indicate poor data quality at this position in the gnomAD database. This variant has not been reported in the literature in individuals affected with CACNA1B-related conditions. Advanced modeling of protein sequence and biophysical properties (such as structural, functional, and spatial information, amino acid conservation, physicochemical variation, residue mobility, and thermodynamic stability) performed at Invitae indicates that this missense variant is not expected to disrupt CACNA1B protein function. In summary, the available evidence is currently insufficient to determine the role of this variant in disease. Therefore, it has been classified as a Variant of Uncertain Significance.

NM_000718.4(CACNA1B):c.5641C>T (p.Leu1881Phe)

Gene: CACNA1B (calcium voltage-gated channel subunit alpha1 B; plus strand). Cytogenetic location: 9q34.3.
Variant type: single nucleotide variant.
Coding change: c.5641C>T on transcript NM_000718.4 (MANE Select); coding-DNA position 5641, C replaced by T.
Protein change: p.Leu1881Phe; replaces leucine 1881 with phenylalanine.
Molecular consequence: missense variant.
Genome position (GRCh38, 1-based): chr9:138,114,482, C>T. VCF-style: chr9-138114482-C-T. GRCh37 (hg19) VCF-style: chr9-141008934-C-T.
Other names: c.5641C>T, p.Leu1881Phe (NM_001243812.2); c.5641C>T (NM_000718.3); short protein forms L1881F.
Identifiers: ClinVar variation 1920608 (VCV001920608.3), dbSNP rs775511103, ClinGen allele CA5377431.
Genomic context (GRCh38, chr9:138,114,482, plus strand): 5'-TTCGACTTCTACAAGCAGAACAAAACCACCAGAGACCAGATGCAGCAGGCTCCTGGAGGC[C>T]TCTCCCAGGTAGCTGGCGGCCCTCAGTTTTCCAGGAAAACTGTGATGCCTCCGAGGCTCT-3'
Protein context (NP_000709.1, residues 1871-1891): RDQMQQAPGG[Leu1881Phe]SQMGPVSLFH